The following is an entry in ClinVar:

NM_001267550.2(TTN):c.52259T>C (p.Val17420Ala)

Genes: TTN (titin; minus strand), TTN-AS1 (TTN antisense RNA 1; plus strand). Cytogenetic location: 2q31.2.
Variant type: single nucleotide variant.
Coding change: c.52259T>C on transcript NM_001267550.2 (MANE Select); coding-DNA position 52259, T replaced by C.
Protein change: p.Val17420Ala; replaces valine 17420 with alanine.
Molecular consequence: missense variant.
Genome position (GRCh38, 1-based): chr2:178,608,752, A>G on the plus strand (T>C on the coding strand, the complement: TTN is on the minus strand). VCF-style: chr2-178608752-A-G. GRCh37 (hg19) VCF-style: chr2-179473479-A-G.
Other names: c.47336T>C, p.Val15779Ala (NM_001256850.1); c.25064T>C, p.Val8355Ala (NM_003319.4); c.44555T>C, p.Val14852Ala (NM_133378.4); c.25439T>C, p.Val8480Ala (NM_133432.3); c.25640T>C, p.Val8547Ala (NM_133437.4); short protein forms V8547A, V8480A, V14852A, V17420A, V15779A, V8355A.
Identifiers: ClinVar variation 1792311 (VCV001792311.3), dbSNP rs1295267229, ClinGen allele CA349575496.

ClinVar aggregate classification (germline): Uncertain significance. Review status: criteria provided, multiple submitters, no conflicts (2 of 4 stars). 2 submissions from 2 submitters: Uncertain significance (2). Last evaluated 2026-06-11.

Conditions:
Cardiovascular phenotype. Identifiers: MedGen CN230736.
TTN-related disorder. Also called: TTN-related disorders; TTN-related condition; TTN-related disease.

Allele frequency attached by ClinVar (database versions not stated): TOPMed below 0.00001.
gnomAD v4.1: 3 of 1,612,664 alleles (0.00019%); highest among the groups gnomAD compares: Non-Finnish European, 0.00025%; no homozygotes.

Submissions (2):

PreventionGenetics, part of Exact Sciences
Classification: Uncertain significance for TTN-related condition. Last evaluated: 2026-06-11. Review status: criteria provided, single submitter. Criteria: ACMG Guidelines, 2015. Collection method: clinical testing. Allele origin: germline.
Comment: The TTN c.52259T>C variant is predicted to result in the amino acid substitution p.Val17420Ala. To our knowledge, this variant has not been reported in the literature or in a large population database (gnomAD), indicating this variant is rare. At this time, the clinical significance of this variant is uncertain due to the absence of conclusive functional and genetic evidence.

Ambry Genetics
Classification: Uncertain significance for Cardiovascular phenotype. Last evaluated: 2020-01-08. Review status: criteria provided, single submitter. Criteria: Ambry Variant Classification Scheme 2023. Collection method: clinical testing. Allele origin: germline.
Comment: The p.V8355A variant (also known as c.25064T>C), located in coding exon 101 of the TTN gene, results from a T to C substitution at nucleotide position 25064. The valine at codon 8355 is replaced by alanine, an amino acid with similar properties. This amino acid position is not well conserved in available vertebrate species. In addition, this alteration is predicted to be tolerated by in silico analysis. Since supporting evidence is limited at this time, the clinical significance of this alteration remains unclear.